The following is an entry in ClinVar:

NM_000238.4(KCNH2):c.1946-4_1948del

Gene: KCNH2 (potassium voltage-gated channel subfamily H member 2; minus strand). Cytogenetic location: 7q36.1.
Variant type: Deletion.
Coding change: c.1946-4_1948del on transcript NM_000238.4 (MANE Select); 4 bases into the intron before coding-DNA position 1946 through coding-DNA position 1948, 7 bases deleted (CCAGCCC; older notation c.1946-4_1948delCCAGCCC).
Molecular consequence: splice acceptor variant.
Genome position (GRCh38, 1-based): chr7:150,951,118-150,951,124, GGGCTGG deleted on the plus strand (CCAGCCC on the coding strand, the reverse complement: KCNH2 is on the minus strand); deleting any 7 consecutive bases within chr7:150,951,118-150,951,128 gives the same sequence; the c. name uses the placement nearest the transcript's 3' end. VCF-style (leftmost placement, unchanged base first): chr7-150951117-AGGGCTGG-A. GRCh37 (hg19) VCF-style: chr7-150648205-AGGGCTGG-A.
Other names: c.1658-4_1660del (NM_001406753.1, NM_001406756.1); c.926-4_928del (NM_172057.3, NM_001204798.2); c.1946-4_1948del (NM_172056.3); c.1769-4_1771del (NM_001406755.1); c.1646-4_1648del (NM_001406757.1).
Identifiers: ClinVar variation 936138 (VCV000936138.10), dbSNP rs1801137678, ClinGen allele CA1139660309.

ClinVar aggregate classification (germline): Likely pathogenic (1 of 4 stars; one submission).

Conditions:
Long QT syndrome (LQTS). Identifiers: MedGen C0023976, MeSH D008133, MONDO:0002442. Disease mechanism: loss of function. Inheritance: Various modes of inheritance.

Submission:

Labcorp Genetics (formerly Invitae), Labcorp
Classification: Likely pathogenic for Long QT syndrome. Last evaluated: 2019-07-17. Review status: criteria provided, single submitter. Criteria: Invitae Variant Classification Sherloc (09022015). Collection method: clinical testing. Allele origin: germline.
Comment: This variant is a deletion of the genomic region encompassing part of exon 8 (c.1946-4_1948del) of the KCNH2 gene. It is expected to disrupt RNA splicing and likely results in an absent or disrupted protein product. Loss-of-function variants in KCNH2 are known to be pathogenic (PMID: 10973849, 19862833). In summary, the currently available evidence indicates that the variant is pathogenic, but additional data are needed to prove that conclusively. Therefore, this variant has been classified as Likely Pathogenic.

Literature cited by the submitters: PubMed 10973849; PubMed 19862833.